The following continues an entry in ClinVar:

NM_000152.5(GAA):c.2105G>A (p.Arg702His)

Gene: GAA. ClinVar aggregate classification (germline): Pathogenic. Pathogenic (1).

Submissions 9 to 14 of 14:

Broad Center for Mendelian Genomics, Broad Institute of MIT and Harvard
Classification: Likely pathogenic for Glycogen storage disease, type II. Last evaluated: 2020-01-22. Review status: criteria provided, single submitter. Criteria: ACMG Guidelines, 2015. Collection method: curation. Allele origin: germline. Inheritance: Autosomal recessive inheritance. Not counted in ClinVar's aggregate classification.
Comment: The p.Arg702His variant in GAA has been reported in 4 individuals (3 Chinese and 1 Turkish/Dutch individuals) with Glycogen Storage Disease II (PMID: 28394184, 18211760, 26310554, 18425781). This variant has also been reported pathogenic by GeneDx, Integrated Genetics, and Invitae and likely pathogenic by EGL Genetic Diagnostics and Counsyl in ClinVar (Variation ID: 426278). This variant has been identified in 0.009% (2/22334) of African chromosomes, 0.008% (9/114642) of European (non-Finnish) chromosomes, and 0.007304% (2/27382) South Asian chromosomes by the Genome Aggregation Database (gnomAD; dbSNP rs398123172). Although this variant has been seen in the general population, its frequency is low enough to be consistent with a recessive carrier frequency. In vitro functional studies provide some evidence that the p.Arg702His variant may impact enzyme levels and activity (PMID: 18425781). However, these types of assays may not accurately represent biological function. Computational prediction tools and conservation analyses suggest that this variant may impact the protein, though this information is not predictive enough to determine pathogenicity. This variant was reported in combination with a likely pathogenic variant and in individuals with Glycogen Storage Disease II (PMID: 28394184, 18211760). Two additional variants at the the same position, p.Arg702Cys and p.Arg702Leu, have been reported likely pathogenic or pathogenic in association with disease in the literature and ClinVar or curated by our study, supporting that a change at this position may not be tolerated (PMID: 28394184, 27344650, 24158270, 14972326; Variation ID: 92472). In summary, although additional studies are required to fully establish its clinical significance, this variant is likely pathogenic. ACMG/AMP Criteria applied: PM5, PS3_Moderate, PM2, PP3 (Richards 2015).

Women's Health and Genetics/Laboratory Corporation of America, LabCorp
Classification: Pathogenic for Glycogen storage disease, type II. Last evaluated: 2017-08-21. Review status: criteria provided, single submitter. Criteria: LabCorp Variant Classification Summary - May 2015. Collection method: clinical testing. Allele origin: germline. Not counted in ClinVar's aggregate classification.
Comment: Variant summary: The GAA c.2105G>A (p.Arg702His) variant involves the alteration of a conserved nucleotide located in the Glycoside hydrolase superfamily domain of the protein (InterPro). 5/5 in silico tools predict a damaging outcome for this variant. This variant was found in 13/248554 control chromosomes in genomAD at a frequency of 0.0000523, which does not exceed the estimated maximal expected allele frequency of a pathogenic GAA variant (0.0042205). This variant has been reported in multiple Pompe pts. Functional study showed deficient enzyme activity, and variant was classified as a mild pathogenic mutation (Kroos_2008) . In addition, one other clinical diagnostic laboratory classified this variant as pathogenic. Variant involving the same codon Arg702Cys has been reported in affected individuals suggesting functional importance of this location. Taken together, this variant is classified as pathogenic.

Eurofins Ntd Llc (ga)
Classification: Likely pathogenic. Last evaluated: 2017-06-27. Review status: criteria provided, single submitter. Criteria: EGL Classification Definitions 2015. Collection method: clinical testing. Allele origin: germline. Observed: 1 variant allele, 1 heterozygote. Not counted in ClinVar's aggregate classification.

PreventionGenetics, part of Exact Sciences
Classification: Likely pathogenic for GAA-related condition. Last evaluated: 2023-12-07. Review status: no assertion criteria provided. Collection method: clinical testing. Allele origin: germline. Not counted in ClinVar's aggregate classification.
Comment: The GAA c.2105G>A variant is predicted to result in the amino acid substitution p.Arg702His. This variant has been reported with a second GAA variant in individuals with glycogen storage disease II (see, for example, Kroos et al. 2008. PubMed ID: 18425781; Chen X et al 2017. PubMed ID: 28394184; Lyu et al. 2019. PubMed ID: 30897595). In vitro experimental studies suggest this variant has a mild impact on protein function (Kroos et al. 2008. PubMed ID: 18425781). Alternative amino acid changes at this position (p.Arg702Cys, p.Arg702Leu) have also been reported in individuals with glycogen storage disease II (Montalvo et al. 2004. PubMed ID: 14972326; Bali et al. 2012. PubMed ID: 22252923). This variant is reported in 0.0090% of alleles in individuals of African descent in gnomAD. This variant is interpreted as likely pathogenic.

Genome Diagnostics Laboratory, University Medical Center Utrecht
Classification: Uncertain significance. Review status: no assertion criteria provided. Collection method: clinical testing. Allele origin: germline. Affected: yes. Study: VKGL Data-share Consensus. Not counted in ClinVar's aggregate classification.

Joint Genome Diagnostic Labs from Nijmegen and Maastricht, Radboudumc and MUMC+
Classification: Uncertain significance. Review status: no assertion criteria provided. Collection method: clinical testing. Allele origin: germline. Affected: yes. Study: VKGL Data-share Consensus. Not counted in ClinVar's aggregate classification.

Literature cited by the submitters: PubMed 39010129 (cited by Genomenon, Inc); PubMed 32064362 (cited by Genomenon, Inc); PubMed 28394184 (cited by 4 submitters); PubMed 18425781 (cited by 6 submitters); PubMed 18211760 (cited by 3 submitters); PubMed 26310554 (cited by Labcorp Genetics (formerly Invitae), Labcorp and Myriad Genetics, Inc.); PubMed 14972326 (cited by Labcorp Genetics (formerly Invitae), Labcorp); PubMed 22252923 (cited by Labcorp Genetics (formerly Invitae), Labcorp); PubMed 24158270 (cited by Labcorp Genetics (formerly Invitae), Labcorp); PubMed 27344650 (cited by Labcorp Genetics (formerly Invitae), Labcorp and Myriad Genetics, Inc.); PubMed 29122469 (cited by Labcorp Genetics (formerly Invitae), Labcorp); PubMed 38186848 (cited by Natera, Inc.); PubMed 30897595 (cited by Natera, Inc. and Myriad Genetics, Inc.); PubMed 38823802 (cited by Natera, Inc.); PubMed 29325298 (cited by Myriad Genetics, Inc.).